The following is an entry in ClinVar:

ClinVar aggregate classification (germline): Conflicting classifications of pathogenicity. Review status: criteria provided, conflicting classifications (1 of 4 stars). 2 submissions from 2 submitters: Pathogenic (1); Uncertain significance (1). Last evaluated 2025-12-23.

Conditions:
Long telomere syndrome.
Hereditary cancer-predisposing syndrome. Also called: Neoplastic Syndromes, Hereditary; Tumor predisposition; Hereditary Cancer Syndrome; Hereditary neoplastic syndrome. Identifiers: Orphanet 140162, MedGen C0027672, MeSH D009386, MONDO:0015356.

Allele frequency attached by ClinVar (database versions not stated): ExAC 0.00001.

Submissions (2):

The Telomere Center at Johns Hopkins, Johns Hopkins University School of Medicine
Classification: Pathogenic for Long Telomere Syndrome. Last evaluated: 2025-12-23. Review status: criteria provided, single submitter. Criteria: Davidson-Swinton et al. (Blood. 2026). Collection method: clinical testing. Allele origin: germline. Affected: yes.

Ambry Genetics
Classification: Uncertain significance for Hereditary cancer-predisposing syndrome. Last evaluated: 2025-10-31. Review status: criteria provided, single submitter. Criteria: Ambry Variant Classification Scheme 2023. Collection method: clinical testing. Allele origin: germline.
Comment: The p.G272R variant (also known as c.814G>C), located in coding exon 6 of the POT1 gene, results from a G to C substitution at nucleotide position 814. The glycine at codon 272 is replaced by arginine, an amino acid with dissimilar properties. This amino acid position is highly conserved in available vertebrate species. In addition, this alteration is predicted to be deleterious by in silico analysis. Since supporting evidence is limited at this time, the clinical significance of this alteration remains unclear.

NM_015450.3(POT1):c.814G>C (p.Gly272Arg)

Gene: POT1 (protection of telomeres 1; minus strand). Cytogenetic location: 7q31.33.
Variant type: single nucleotide variant.
Coding change: c.814G>C on transcript NM_015450.3 (MANE Select); coding-DNA position 814, G replaced by C.
Protein change: p.Gly272Arg; replaces glycine 272 with arginine.
Molecular consequence: missense variant. On other transcripts: non-coding transcript variant (3).
Genome position (GRCh38, 1-based): chr7:124,853,027, C>G on the plus strand (G>C on the coding strand, the complement: POT1 is on the minus strand). VCF-style: chr7-124853027-C-G. GRCh37 (hg19) VCF-style: chr7-124493081-C-G.
Other names: c.421G>C, p.Gly141Arg (NM_001042594.2); short protein forms G141R, G272R.
Identifiers: ClinVar variation 1762188 (VCV001762188.4), dbSNP rs781279819, ClinGen allele CA4465353.
Genomic context (GRCh38, chr7:124,853,027, plus strand): 5'-CTTACTTTTTCAGTTGATCCACATCAGAGTTACTTTCTGGCAAGACCCTGATTCCCCGAC[C>G]GTAACTGGTACCTCCATGAAGATGAAACTCTAAACTTAACATTGTCTGATTCTCTGAATT-3'
Protein context (NP_056265.2, residues 262-282): EFHLHGGTSY[Gly272Arg]RGIRVLPESN